The following is an entry in ClinVar:

NM_006912.6(RIT1):c.604A>T (p.Ser202Cys)

Gene: RIT1 (Ras like without CAAX 1; minus strand). Cytogenetic location: 1q22.
Variant type: single nucleotide variant.
Coding change: c.604A>T on transcript NM_006912.6 (MANE Select); coding-DNA position 604, A replaced by T.
Protein change: p.Ser202Cys; replaces serine 202 with cysteine.
Molecular consequence: missense variant.
Genome position (GRCh38, 1-based): chr1:155,900,444, T>A on the plus strand (A>T on the coding strand, the complement: RIT1 is on the minus strand). VCF-style: chr1-155900444-T-A. GRCh37 (hg19) VCF-style: chr1-155870235-T-A.
Other names: c.496A>T, p.Ser166Cys (NM_001256820.2); c.655A>T, p.Ser219Cys (NM_001256821.2); short protein forms S202C, S219C, S166C.
Identifiers: ClinVar variation 229202 (VCV000229202.5), dbSNP rs876657981, ClinGen allele CA10576359.

ClinVar aggregate classification (germline): Uncertain significance (1 of 4 stars; one submission).

Allele frequency attached by ClinVar (database versions not stated): gnomAD exomes below 0.00001.
gnomAD v4.1: 5 of 1,614,212 alleles (0.00031%); highest among the groups gnomAD compares: South Asian, 0.0011%; no homozygotes.

Submission:

Laboratory for Molecular Medicine, Mass General Brigham Personalized Medicine
Classification: Uncertain significance. Last evaluated: 2015-11-13. Review status: criteria provided, single submitter. Criteria: LMM Criteria. Collection method: clinical testing. Allele origin: germline. Observed: 2 variant alleles.
Comment: It was not observed in large population studies. Computational prediction tools and conservation analyses suggest that the p.Ser219Cyc variant may impact the protein, though this information is not predictive enough to det ermine pathogenicity. In summary, the clinical significance of the p.Ser219Cys v ariant is uncertain.